The following is an entry in ClinVar:

ClinVar aggregate classification (germline): Uncertain significance. Review status: criteria provided, multiple submitters, no conflicts (2 of 4 stars). 4 submissions from 4 submitters: Uncertain significance (3). 1 of the submissions does not count toward it. Last evaluated 2025-12-22.

Conditions:
MYH7B-related disorder. Also called: MYH7B-related condition.
Flexion contracture. Also called: Contracture; Contractures; Flexion deformity. Identifiers: MedGen C0333068, HP:0001371.

Allele frequency attached by ClinVar (database versions not stated): gnomAD 0.00019; gnomAD exomes 0.00019 and 0.00031; TOPMed 0.00022; ESP Exome Variant Server 0.00023; ExAC 0.00026; 1000 Genomes Project 30x 0.00031; 1000 Genomes Project 0.00040.
gnomAD v4.1: 315 of 1,613,700 alleles (0.02%); highest among the groups gnomAD compares: Middle Eastern, 0.099%; no homozygotes.

Submissions (4):

PreventionGenetics, part of Exact Sciences
Classification: Uncertain significance for MYH7B-related condition. Last evaluated: 2025-12-22. Review status: criteria provided, single submitter. Criteria: ACMG Guidelines, 2015. Collection method: clinical testing. Allele origin: germline.
Comment: The MYH7B c.3950G>A variant is predicted to result in the amino acid substitution p.Arg1317Gln. To our knowledge, this variant has not been reported in the literature in MYH7-related disorder. This variant is reported in 0.076% of alleles in individuals of Latino descent in gnomAD. Although we suspect that this variant may be benign, at this time, the clinical significance of this variant is uncertain due to the absence of conclusive functional and genetic evidence.

Labcorp Genetics (formerly Invitae), Labcorp
Classification: Uncertain significance. Last evaluated: 2025-12-09. Review status: criteria provided, single submitter. Criteria: Invitae Variant Classification Sherloc (09022015). Collection method: clinical testing. Allele origin: germline.
Comment: This sequence change replaces arginine, which is basic and polar, with glutamine, which is neutral and polar, at codon 1317 of the MYH7B protein (p.Arg1317Gln). This variant is present in population databases (rs199813555, gnomAD 0.07%), and has an allele count higher than expected for a pathogenic variant. This variant has not been reported in the literature in individuals affected with MYH7B-related conditions. ClinVar contains an entry for this variant (Variation ID: 816786). Invitae Evidence Modeling of protein sequence and biophysical properties (such as structural, functional, and spatial information, amino acid conservation, physicochemical variation, residue mobility, and thermodynamic stability) indicates that this missense variant is not expected to disrupt MYH7B protein function with a negative predictive value of 80%. In summary, the available evidence is currently insufficient to determine the role of this variant in disease. Therefore, it has been classified as a Variant of Uncertain Significance.

Breakthrough Genomics
Classification: Uncertain significance. Review status: criteria provided, single submitter. Criteria: ACMG Guidelines, 2015. Collection method: not provided. Allele origin: germline. Inheritance: Autosomal dominant inheritance. Affected: yes.

Lupski Lab, Baylor-Hopkins CMG, Baylor College of Medicine
Classification: Uncertain significance for Flexion contracture. Review status: no assertion criteria provided. Collection method: research. Allele origin: inherited. Inheritance: Autosomal recessive inheritance. Affected: yes. Observed: 3 variant alleles, 2 heterozygotes, 1 homozygote. Not counted in ClinVar's aggregate classification.

Literature cited by the submitters: PubMed 26752647 (cited by Lupski Lab, Baylor-Hopkins CMG, Baylor College of Medicine).

NM_020884.7(MYH7B):c.3824G>A (p.Arg1275Gln)

Gene: MYH7B (myosin heavy chain 7B; plus strand). Cytogenetic location: 20q11.22.
Variant type: single nucleotide variant.
Coding change: c.3824G>A on transcript NM_020884.7 (MANE Select); coding-DNA position 3824, G replaced by A.
Protein change: p.Arg1275Gln; replaces arginine 1275 with glutamine.
Molecular consequence: missense variant.
Genome position (GRCh38, 1-based): chr20:34,998,371, G>A. VCF-style: chr20-34998371-G-A. GRCh37 (hg19) VCF-style: chr20-33586174-G-A.
Other names: c.3950G>A (NM_020884.4); short protein forms R1275Q.
Identifiers: ClinVar variation 816786 (VCV000816786.9), dbSNP rs199813555, ClinGen allele CA9827867.
Genomic context (GRCh38, chr20:34,998,371, plus strand): 5'-TGTGCCGGACCTATGAGGATCAGCTAAGCGAGGCCAAGATCAAGGTGGAGGAGCTGCAGC[G>A]GCAGCTGGCGGACGCAAGCACGCAGCGTGGGCGACTACAGACGGAAAGCGGTGAGGCTGG-3'
Protein context (NP_065935.4, residues 1265-1285): EAKIKVEELQ[Arg1275Gln]QLADASTQRG